The following is an entry in ClinVar:

NM_000834.5(GRIN2B):c.4288G>A (p.Val1430Met)

Gene: GRIN2B (glutamate ionotropic receptor NMDA type subunit 2B; minus strand). Cytogenetic location: 12p13.1.
Variant type: single nucleotide variant.
Coding change: c.4288G>A on transcript NM_000834.5 (MANE Select); coding-DNA position 4288, G replaced by A.
Protein change: p.Val1430Met; replaces valine 1430 with methionine.
Molecular consequence: missense variant.
Genome position (GRCh38, 1-based): chr12:13,562,950, C>T on the plus strand (G>A on the coding strand, the complement: GRIN2B is on the minus strand). VCF-style: chr12-13562950-C-T. GRCh37 (hg19) VCF-style: chr12-13715884-C-T.
Other names: c.4288G>A, p.Val1430Met (NM_001413992.1); short protein forms V1430M.
Identifiers: ClinVar variation 2630930 (VCV002630930.2), dbSNP rs879253885, ClinGen allele CA383985597.
Genomic context (GRCh38, chr12:13,562,950, plus strand): 5'-TCCCTATACAGATGTCCTTCTGGAAACGGGCTGGCACGGCCCCATGAAGGGCCGAGACCA[C>T]CGGCTTGTTGGTGACAAGGGCCCGGAAGTCCGGCCTGGCTTTCGACGCCCCCGCCACCGT-3'
Protein context (NP_000825.2, residues 1420-1440): DFRALVTNKP[Val1430Met]VSALHGAVPA

ClinVar aggregate classification (germline): Uncertain significance. Review status: criteria provided, multiple submitters, no conflicts (2 of 4 stars). 2 submissions from 2 submitters: Uncertain significance (2). Last evaluated 2024-02-13.

Conditions:
GRIN2B-related disorder. Also called: GRIN2B-related condition.

Allele frequency attached by ClinVar (database versions not stated): gnomAD exomes below 0.00001.
gnomAD v4.1: 1 of 1,614,196 alleles (0.000062%); highest among the groups gnomAD compares: Middle Eastern, 0.016%; no homozygotes.

Submissions (2):

Blueprint Genetics
Classification: Uncertain significance. Last evaluated: 2024-02-13. Review status: criteria provided, single submitter. Criteria: ACMG Guidelines, 2015. Collection method: clinical testing. Allele origin: germline.

PreventionGenetics, part of Exact Sciences
Classification: Uncertain significance for GRIN2B-related condition. Last evaluated: 2023-09-13. Review status: criteria provided, single submitter. Criteria: ACMG Guidelines, 2015. Collection method: clinical testing. Allele origin: germline.
Comment: The GRIN2B c.4288G>A variant is predicted to result in the amino acid substitution p.Val1430Met. To our knowledge, this variant has not been reported in the literature. This variant is reported in 0.00088% of alleles in individuals of European (Non-Finnish) descent in gnomAD. At this time, the clinical significance of this variant is uncertain due to the absence of conclusive functional and genetic evidence.